The following is an entry in ClinVar:

NM_001184.4(ATR):c.3259T>C (p.Tyr1087His)

Gene: ATR (ATR checkpoint kinase; minus strand). Cytogenetic location: 3q23.
Variant type: single nucleotide variant.
Coding change: c.3259T>C on transcript NM_001184.4 (MANE Select); coding-DNA position 3259, T replaced by C.
Protein change: p.Tyr1087His; replaces tyrosine 1087 with histidine.
Molecular consequence: missense variant.
Genome position (GRCh38, 1-based): chr3:142,547,823, A>G on the plus strand (T>C on the coding strand, the complement: ATR is on the minus strand). VCF-style: chr3-142547823-A-G. GRCh37 (hg19) VCF-style: chr3-142266665-A-G.
Other names: c.3067T>C, p.Tyr1023His (NM_001354579.2); short protein forms Y1023H, Y1087H.
Identifiers: ClinVar variation 1383580 (VCV001383580.8), dbSNP rs34253059, ClinGen allele CA84741758.

ClinVar aggregate classification (germline): Uncertain significance (1 of 4 stars; one submission).

Allele frequency attached by ClinVar (database versions not stated): gnomAD exomes 0.00001; TOPMed 0.00002; gnomAD 0.00003.
gnomAD v4.1: 9 of 1,613,870 alleles (0.00056%); highest among the groups gnomAD compares: African/African-American, 0.0067%; no homozygotes.

Submission:

Labcorp Genetics (formerly Invitae), Labcorp
Classification: Uncertain significance. Last evaluated: 2021-07-14. Review status: criteria provided, single submitter. Criteria: Invitae Variant Classification Sherloc (09022015). Collection method: clinical testing. Allele origin: germline.
Comment: This sequence change replaces tyrosine with histidine at codon 1087 of the ATR protein (p.Tyr1087His). The tyrosine residue is moderately conserved and there is a moderate physicochemical difference between tyrosine and histidine. In summary, the available evidence is currently insufficient to determine the role of this variant in disease. Therefore, it has been classified as a Variant of Uncertain Significance. Algorithms developed to predict the effect of missense changes on protein structure and function are either unavailable or do not agree on the potential impact of this missense change (SIFT: "Tolerated"; PolyPhen-2: "Probably Damaging"; Align-GVGD: "Class C0"). This variant has not been reported in the literature in individuals affected with ATR-related conditions. This variant is not present in population databases (ExAC no frequency).